The following is an entry in ClinVar:

NM_178040.4(ERC1):c.308G>C (p.Arg103Pro)

Gene: ERC1 (ELKS/RAB6-interacting/CAST family member 1; plus strand). Cytogenetic location: 12p13.33.
Variant type: single nucleotide variant.
Coding change: c.308G>C on transcript NM_178040.4 (MANE Select); coding-DNA position 308, G replaced by C.
Protein change: p.Arg103Pro; replaces arginine 103 with proline.
Molecular consequence: missense variant. On other transcripts: non-coding transcript variant (3).
Genome position (GRCh38, 1-based): chr12:1,028,211, G>C. VCF-style: chr12-1028211-G-C. GRCh37 (hg19) VCF-style: chr12-1137377-G-C.
Other names: c.308G>C, p.Arg103Pro (NM_001301248.1, NM_015064.2, NM_178037.1 and 1 more transcripts); short protein forms R103P.
Identifiers: ClinVar variation 3054082 (VCV003054082.2), dbSNP rs535851221, ClinGen allele CA6384231.

ClinVar aggregate classification (germline): Likely benign (0 of 4 stars; one submission).

Conditions:
ERC1-related disorder. Also called: ERC1-related condition.

Allele frequency attached by ClinVar (database versions not stated): 1000 Genomes Project 30x 0.00109; 1000 Genomes Project 0.00120.
gnomAD v4.1: 173 of 1,614,130 alleles (0.011%); highest among the groups gnomAD compares: South Asian, 0.18%; 1 homozygote.

Submission:

PreventionGenetics, part of Exact Sciences
Classification: Likely benign for ERC1-related condition. Last evaluated: 2022-12-28. Review status: no assertion criteria provided. Collection method: clinical testing. Allele origin: germline.
Comment: This variant is classified as likely benign based on ACMG/AMP sequence variant interpretation guidelines (Richards et al. 2015 PMID: 25741868, with internal and published modifications).